The following is an entry in ClinVar:

NM_007294.4(BRCA1):c.134+2672A>G

Gene: BRCA1 (BRCA1 DNA repair associated; minus strand). Cytogenetic location: 17q21.31.
Variant type: single nucleotide variant.
Coding change: c.134+2672A>G on transcript NM_007294.4 (MANE Select); 2672 bases into the intron after coding-DNA position 134, A replaced by G.
Molecular consequence: intron variant.
Genome position (GRCh38, 1-based): chr17:43,113,054, T>C on the plus strand (A>G on the coding strand, the complement: BRCA1 is on the minus strand). VCF-style: chr17-43113054-T-C. GRCh37 (hg19) VCF-style: chr17-41265071-T-C.
Other names: IVS 3+2672A>G; c.-8+2672A>G (NM_001408458.1, NM_001408470.1, NM_001407848.1 and 47 more transcripts); c.-219+12223A>G (NM_001407967.1); c.-169-8098A>G (NM_001407959.1, NM_001407963.1); c.-7-6521A>G (NM_001407931.1, NM_001407747.1, NM_001408461.1 and 30 more transcripts); c.-170+2672A>G (NM_001407962.1, NM_001408512.1, NM_001408510.1 and 1 more transcripts); c.-55+2672A>G (NM_001407885.1, NM_001407886.1, NM_001408509.1 and 52 more transcripts); c.-123-2474A>G (NM_001407746.1, NM_001408468.1, NM_001407842.1 and 13 more transcripts); and 10 more.
Identifiers: ClinVar variation 209522 (VCV000209522.2), dbSNP rs113210086, ClinGen allele CA276491.

ClinVar aggregate classification (germline): Benign (3 of 4 stars; one submission).

Conditions:
Breast-ovarian cancer, familial, susceptibility to, 1 (BROVCA1). Also called: BRCA1 Hereditary Breast and Ovarian Cancer; OVARIAN CANCER, SUSCEPTIBILITY TO. Identifiers: Orphanet 145, MedGen C2676676, MONDO:0011450, OMIM 604370. Disease mechanism: loss of function.

Allele frequency attached by ClinVar (database versions not stated): 1000 Genomes Project 30x 0.00406; gnomAD 0.00474 and 0.00513; 1000 Genomes Project 0.00499; TOPMed 0.00521.
gnomAD v4.1: 712 of 152,248 alleles (0.47%); highest among the groups gnomAD compares: African/African-American, 1.6%; 10 homozygotes.

Submission:

Evidence-based Network for the Interpretation of Germline Mutant Alleles (ENIGMA)
Classification: Benign for Breast-ovarian cancer, familial 1. Last evaluated: 2015-01-12. Review status: reviewed by expert panel. Criteria: ENIGMA BRCA1/2 Classification Criteria (2015). Collection method: curation. Allele origin: germline.
Comment: Class 1 not pathogenic based on frequency >1% in an outbred sampleset. Frequency 0.02439 (African), derived from 1000 genomes (2012-04-30).